The following is an entry in ClinVar:

NM_020320.5(RARS2):c.349del (p.Glu117fs)

Gene: RARS2 (arginyl-tRNA synthetase 2, mitochondrial; minus strand). Cytogenetic location: 6q15.
Variant type: Deletion.
Coding change: c.349del on transcript NM_020320.5 (MANE Select); coding-DNA position 349, one base deleted (G; older notation c.349delG).
Protein change: p.Glu117fs; shifts the reading frame from glutamic acid 117.
Molecular consequence: frameshift variant. On other transcripts: 5 prime UTR variant (7), non-coding transcript variant (23).
Genome position (GRCh38, 1-based): chr6:87,555,454, C deleted on the plus strand (G on the coding strand, the reverse complement: RARS2 is on the minus strand). VCF-style (leftmost placement, unchanged base first): chr6-87555453-TC-T. GRCh37 (hg19) VCF-style: chr6-88265171-TC-T.
Other names: c.-121del (NM_001318785.2, NM_001350509.2); c.349del, p.Glu117fs (NM_001350505.2); c.-177del (NM_001350506.2, NM_001350507.2, NM_001350510.2 and 1 more transcripts); c.-339del (NM_001350508.2); short protein forms E117fs.
Identifiers: ClinVar variation 2693630 (VCV002693630.3), dbSNP rs1731852340, ClinGen allele CA1644581890.

ClinVar aggregate classification (germline): Pathogenic (1 of 4 stars; one submission).

Allele frequency attached by ClinVar (database versions not stated): TOPMed below 0.00001.

Submission:

Labcorp Genetics (formerly Invitae), Labcorp
Classification: Pathogenic. Last evaluated: 2023-11-24. Review status: criteria provided, single submitter. Criteria: Invitae Variant Classification Sherloc (09022015). Collection method: clinical testing. Allele origin: germline.
Comment: This sequence change creates a premature translational stop signal (p.Glu117Asnfs*34) in the RARS2 gene. It is expected to result in an absent or disrupted protein product. Loss-of-function variants in RARS2 are known to be pathogenic (PMID: 17847012, 22569581, 26083569). This variant is not present in population databases (gnomAD no frequency). This variant has not been reported in the literature in individuals affected with RARS2-related conditions. For these reasons, this variant has been classified as Pathogenic.

Literature cited by the submitters: PubMed 17847012; PubMed 22569581; PubMed 26083569.